The following is an entry in ClinVar:

NM_003060.4(SLC22A5):c.1411_1426dup (p.Leu476fs)

Gene: SLC22A5 (solute carrier family 22 member 5; plus strand). Cytogenetic location: 5q31.1.
Variant type: Duplication.
Coding change: c.1411_1426dup on transcript NM_003060.4 (MANE Select); coding-DNA positions 1411 to 1426, 16 bases duplicated (CGCCTGGGCAGCATCC).
Protein change: p.Leu476fs; shifts the reading frame from leucine 476.
Molecular consequence: frameshift variant.
Genome position (GRCh38, 1-based): chr5:132,392,576-132,392,591, CGCCTGGGCAGCATCC duplicated; duplicating any 16 consecutive bases within chr5:132,392,568-132,392,591 gives the same sequence; the c. name uses the placement nearest the transcript's 3' end. VCF-style (leftmost placement, unchanged base first): chr5-132392567-A-ACAGCATCCCGCCTGGG. GRCh37 (hg19) VCF-style: chr5-131728259-A-ACAGCATCCCGCCTGGG.
Other names: c.1483_1498dup, p.Leu500fs (NM_001308122.2); short protein forms L476fs, L500fs.
Identifiers: ClinVar variation 2795589 (VCV002795589.3), dbSNP rs2532138779, ClinGen allele CA2739275052.

ClinVar aggregate classification (germline): Pathogenic (1 of 4 stars; one submission).

Conditions:
Renal carnitine transport defect (CDSP). Also called: Systemic primary carnitine deficiency disease; CARNITINE DEFICIENCY, SYSTEMIC, DUE TO DEFECT IN RENAL REABSORPTION OF CARNITINE; CARNITINE TRANSPORTER, PLASMA-MEMBRANE, DEFICIENCY OF; CARNITINE UPTAKE DEFECT; Primary carnitine deficiency; Systemic primary carnitine deficiency. Identifiers: Orphanet 158, MedGen C0342788, MONDO:0008919, OMIM 212140.

Submission:

Labcorp Genetics (formerly Invitae), Labcorp
Classification: Pathogenic for Renal carnitine transport defect. Last evaluated: 2023-08-25. Review status: criteria provided, single submitter. Criteria: Invitae Variant Classification Sherloc (09022015). Collection method: clinical testing. Allele origin: germline.
Comment: For these reasons, this variant has been classified as Pathogenic. This variant disrupts a region of the SLC22A5 protein in which other variant(s) (p.Ile521Hisfs*3) have been determined to be pathogenic (PMID: 17126586). This suggests that this is a clinically significant region of the protein, and that variants that disrupt it are likely to be disease-causing. This variant has not been reported in the literature in individuals affected with SLC22A5-related conditions. This variant is not present in population databases (gnomAD no frequency). This sequence change creates a premature translational stop signal (p.Leu476Profs*52) in the SLC22A5 gene. While this is not anticipated to result in nonsense mediated decay, it is expected to disrupt the last 82 amino acid(s) of the SLC22A5 protein.

Literature cited by the submitters: PubMed 17126586.